The following is an entry in ClinVar:

ClinVar aggregate classification (germline): Conflicting classifications of pathogenicity. Review status: criteria provided, conflicting classifications (1 of 4 stars). 5 submissions from 5 submitters: Uncertain significance (4); Likely benign (1). Last evaluated 2025-12-13.

Conditions:
Arrhythmogenic cardiomyopathy with wooly hair and keratoderma. Also called: PALMOPLANTAR KERATODERMA WITH LEFT VENTRICULAR CARDIOMYOPATHY AND WOOLLY HAIR; Carvajal syndrome; Dilated cardiomyopathy with woolly hair and keratoderma; Arrhythmogenic cardiomyopathy with woolly hair and keratoderma. Identifiers: Orphanet 65282, MedGen C1854063, MONDO:0011581, OMIM 605676.
Arrhythmogenic right ventricular dysplasia 8 (ARVD8). Also called: Arrhythmogenic Right Ventricular Dysplasia/Cardiomyopathy 8; ARRHYTHMOGENIC RIGHT VENTRICULAR DYSPLASIA, FAMILIAL, 8; ARRHYTHMOGENIC RIGHT VENTRICULAR CARDIOMYOPATHY 8. Identifiers: MedGen C1843896, MONDO:0011831, OMIM 607450.
Cardiovascular phenotype. Identifiers: MedGen CN230736.
Cardiomyopathy (CMYO). Also called: Cardiomyopathies. Identifiers: Orphanet 167848, MedGen C0878544, MONDO:0004994, HP:0001638. Inheritance: Various modes of inheritance.

Allele frequency attached by ClinVar (database versions not stated): TOPMed below 0.00001; gnomAD exomes 0.00001 and 0.00004; ExAC 0.00003.
gnomAD v4.1: 17 of 1,614,132 alleles (0.0011%); highest among the groups gnomAD compares: Middle Eastern, 0.017%; no homozygotes.

Submissions (5):

Labcorp Genetics (formerly Invitae), Labcorp
Classification: Likely benign for Arrhythmogenic cardiomyopathy with wooly hair and keratoderma; Arrhythmogenic right ventricular dysplasia 8. Last evaluated: 2025-12-13. Review status: criteria provided, single submitter. Criteria: Invitae Variant Classification Sherloc (09022015). Collection method: clinical testing. Allele origin: germline.

GeneDx
Classification: Uncertain significance. Last evaluated: 2025-03-01. Review status: criteria provided, single submitter. Criteria: GeneDx Variant Classification Process June 2021. Collection method: clinical testing. Allele origin: germline. Affected: yes.
Comment: In silico analysis supports that this missense variant has a deleterious effect on protein structure/function; Has not been previously published as pathogenic or benign to our knowledge

Color Diagnostics, LLC DBA Color Health
Classification: Uncertain significance for Cardiomyopathy. Last evaluated: 2024-03-06. Review status: criteria provided, single submitter. Criteria: ACMG Guidelines, 2015. Collection method: clinical testing. Allele origin: germline.
Comment: This missense variant replaces leucine with serine at codon 912 of the DSP protein. Computational prediction suggests that this variant may not impact protein structure and function (internally defined REVEL score threshold <= 0.5, PMID: 27666373). To our knowledge, functional studies have not been reported for this variant. This variant has not been reported in individuals affected with cardiovascular disorders in the literature. This variant has been identified in 9/251354 chromosomes in the general population by the Genome Aggregation Database (gnomAD). The available evidence is insufficient to determine the role of this variant in disease conclusively. Therefore, this variant is classified as a Variant of Uncertain Significance.

Ambry Genetics
Classification: Uncertain significance for Cardiovascular phenotype. Last evaluated: 2023-12-11. Review status: criteria provided, single submitter. Criteria: Ambry Variant Classification Scheme 2023. Collection method: clinical testing. Allele origin: germline.
Comment: The p.L912S variant (also known as c.2735T>C), located in coding exon 19 of the DSP gene, results from a T to C substitution at nucleotide position 2735. The leucine at codon 912 is replaced by serine, an amino acid with dissimilar properties. This amino acid position is conserved. In addition, the in silico prediction for this alteration is inconclusive. Since supporting evidence is limited at this time, the clinical significance of this alteration remains unclear.

Revvity Omics, Revvity
Classification: Uncertain significance. Last evaluated: 2023-05-18. Review status: criteria provided, single submitter. Criteria: ACMG Guidelines, 2015. Collection method: clinical testing. Allele origin: germline.

NM_004415.4(DSP):c.2735T>C (p.Leu912Ser)

Gene: DSP (desmoplakin; plus strand). Cytogenetic location: 6p24.3.
Variant type: single nucleotide variant.
Coding change: c.2735T>C on transcript NM_004415.4 (MANE Select); coding-DNA position 2735, T replaced by C.
Protein change: p.Leu912Ser; replaces leucine 912 with serine.
Molecular consequence: missense variant.
Genome position (GRCh38, 1-based): chr6:7,576,398, T>C. VCF-style: chr6-7576398-T-C. GRCh37 (hg19) VCF-style: chr6-7576631-T-C.
Other names: c.2735T>C, p.Leu912Ser (NM_001008844.3, NM_001319034.2); short protein forms L912S.
Identifiers: ClinVar variation 921091 (VCV000921091.11), dbSNP rs765831604, ClinGen allele CA034992.